The following is an entry in ClinVar:

NM_000163.5(GHR):c.895C>T (p.Pro299Ser)

Gene: GHR (growth hormone receptor; plus strand). Cytogenetic location: 5p12.
Variant type: single nucleotide variant.
Coding change: c.895C>T on transcript NM_000163.5 (MANE Select); coding-DNA position 895, C replaced by T.
Protein change: p.Pro299Ser; replaces proline 299 with serine.
Molecular consequence: missense variant. On other transcripts: intron variant (1).
Genome position (GRCh38, 1-based): chr5:42,718,071, C>T. VCF-style: chr5-42718071-C-T. GRCh37 (hg19) VCF-style: chr5-42718173-C-T.
Other names: c.895C>T, p.Pro299Ser (NM_001242402.2, NM_001242403.3, NM_001242404.2 and 4 more transcripts); c.829C>T, p.Pro277Ser (NM_001242460.2); c.876-382C>T (NM_001242462.1); c.916C>T, p.Pro306Ser (NM_001242399.2); short protein forms P299S, P306S, P277S.
Identifiers: ClinVar variation 1357046 (VCV001357046.10), dbSNP rs757458674, ClinGen allele CA117804315.
Genomic context (GRCh38, chr5:42,718,071, plus strand): 5'-GCTTTTAAGATGTCAAAACCAAAATTTTATATGTTTTCAAGGATTAAAATGCTGATTCTG[C>T]CCCCAGTTCCAGTTCCAAAGATTAAAGGAATCGATCCAGATCTCCTCAAGGTAACTAATA-3'
Protein context (NP_000154.1, residues 289-309): KQQRIKMLIL[Pro299Ser]PVPVPKIKGI

ClinVar aggregate classification (germline): Uncertain significance. Review status: criteria provided, multiple submitters, no conflicts (2 of 4 stars). 2 submissions from 2 submitters: Uncertain significance (2). Last evaluated 2025-10-27.

Conditions:
Short stature due to partial GHR deficiency. Also called: GROWTH HORMONE DEFICIENCY, ISOLATED PARTIAL; Growth hormone, insensitivity to, partial; GROWTH HORMONE INSENSITIVITY, PARTIAL. Identifiers: Orphanet 314802, Orphanet 314811, MedGen C1858656, MONDO:0011420, OMIM 604271.

Allele frequency attached by ClinVar (database versions not stated): gnomAD 0.00001; gnomAD exomes 0.00001; TOPMed below 0.00001.
gnomAD v4.1: 5 of 1,585,802 alleles (0.00032%); highest among the groups gnomAD compares: Non-Finnish European, 0.00043%; no homozygotes.

Submissions (2):

Victorian Clinical Genetics Services, Murdoch Childrens Research Institute
Classification: Uncertain significance for Short stature due to partial GHR deficiency. Last evaluated: 2025-10-27. Review status: criteria provided, single submitter. Criteria: ACMG Guidelines, 2015. Collection method: clinical testing. Allele origin: germline. Affected: yes.
Comment: This variant is classified as VUS-3C. Evidence in support of pathogenic classification: Variant is present in gnomAD <0.01 (v4: 5 heterozygote(s), 0 homozygote(s)); Variant is located in the well-established functional box 1 motif and affects a critical proline residue (PMID: 19884384); Missense variant predicted to be damaging by in silico tool(s) or highly conserved with a major amino acid change. Additional information: Variant is predicted to result in a missense amino acid change from proline to serine; This variant is heterozygous; This gene is associated with both recessive and dominant disease (OMIM); Alternative amino acid change(s) at the same position are present in gnomAD (highest alelle count: v2: 3 heterozygote(s), 0 homozygote(s)); Previous evidence of pathogenicity for this variant is inconclusive. This variant has been classified as a VUS by a clinical laboratory in ClinVar; No published segregation evidence has been identified for this variant; No published functional evidence has been identified for this variant; No comparable missense variants have previous evidence for pathogenicity; Dominant negative and loss of function are known mechanisms of disease in this gene. Dominant negative is associated with partial growth hormone insensitivity (MIM#604271) and increased responsiveness to growth hormone (MIM#604271) while loss of function is associated with Laron dwarfism (MIM#262500).

Labcorp Genetics (formerly Invitae), Labcorp
Classification: Uncertain significance. Last evaluated: 2025-05-21. Review status: criteria provided, single submitter. Criteria: Invitae Variant Classification Sherloc (09022015). Collection method: clinical testing. Allele origin: germline.
Comment: This sequence change replaces proline, which is neutral and non-polar, with serine, which is neutral and polar, at codon 299 of the GHR protein (p.Pro299Ser). This variant is not present in population databases (gnomAD no frequency). This variant has not been reported in the literature in individuals affected with GHR-related conditions. ClinVar contains an entry for this variant (Variation ID: 1357046). Invitae Evidence Modeling of protein sequence and biophysical properties (such as structural, functional, and spatial information, amino acid conservation, physicochemical variation, residue mobility, and thermodynamic stability) has been performed for this missense variant. However, the output from this modeling did not meet the statistical confidence thresholds required to predict the impact of this variant on GHR protein function. Algorithms developed to predict the effect of sequence changes on RNA splicing suggest that this variant may disrupt the consensus splice site. In summary, the available evidence is currently insufficient to determine the role of this variant in disease. Therefore, it has been classified as a Variant of Uncertain Significance.

Literature cited by the submitters: PubMed 19884384 (cited by Victorian Clinical Genetics Services, Murdoch Childrens Research Institute).